The following is an entry in ClinVar:

NM_001987.5(ETV6):c.741G>A (p.Ala247=)

Gene: ETV6 (ETS variant transcription factor 6; plus strand). Cytogenetic location: 12p13.2.
Variant type: single nucleotide variant.
Coding change: c.741G>A on transcript NM_001987.5 (MANE Select); coding-DNA position 741, G replaced by A.
Protein change: p.Ala247=; no amino-acid change (alanine 247 retained).
Molecular consequence: synonymous variant.
Genome position (GRCh38, 1-based): chr12:11,869,701, G>A. VCF-style: chr12-11869701-G-A. GRCh37 (hg19) VCF-style: chr12-12022635-G-A.
Other names: p.Ala247=.
Identifiers: ClinVar variation 726424 (VCV000726424.13), dbSNP rs571926464, ClinGen allele CA6454323.
Genomic context (GRCh38, chr12:11,869,701, plus strand): 5'-CAACCACCAGGAGTCCTACCCTCTGTCAGTGTCTCCCATGGAGAATAATCACTGCCCAGC[G>A]TCCTCCGAGTCCCACCCGAAGCCATCCAGCCCCCGGCAGGAGAGCACACGCGTGATCCAG-3'
Protein context (NP_001978.1, residues 237-257): VSPMENNHCP[Ala247=]SSESHPKPSS

ClinVar aggregate classification (germline): Conflicting classifications of pathogenicity. Review status: criteria provided, conflicting classifications (1 of 4 stars). 4 submissions from 4 submitters: Uncertain significance (1); Likely benign (3). Last evaluated 2025-09-01.

Conditions:
Inborn genetic diseases. Identifiers: MedGen C0950123, MeSH D030342.

Allele frequency attached by ClinVar (database versions not stated): gnomAD exomes 0.00011; TOPMed 0.00013; 1000 Genomes Project 30x 0.00016; 1000 Genomes Project 0.00020; ExAC 0.00005; gnomAD 0.00011.
gnomAD v4.1: 315 of 1,614,018 alleles (0.02%); highest among the groups gnomAD compares: Non-Finnish European, 0.024%; 1 homozygote.

Submissions (4):

Labcorp Genetics (formerly Invitae), Labcorp
Classification: Likely benign. Last evaluated: 2025-09-01. Review status: criteria provided, single submitter. Criteria: Invitae Variant Classification Sherloc (09022015). Collection method: clinical testing. Allele origin: germline.

Mayo Clinic Laboratories, Mayo Clinic
Classification: Likely benign. Last evaluated: 2024-12-05. Review status: criteria provided, single submitter. Criteria: ACMG Guidelines, 2015. Collection method: clinical testing. Allele origin: germline. Observed: 1 variant allele.
Comment: BP4, BP7

Ambry Genetics
Classification: Likely benign for Inborn genetic diseases. Last evaluated: 2024-11-18. Review status: criteria provided, single submitter. Criteria: Ambry Variant Classification Scheme 2023. Collection method: clinical testing. Allele origin: germline.

Genetic Services Laboratory, University of Chicago
Classification: Uncertain significance. Last evaluated: 2019-12-23. Review status: criteria provided, single submitter. Criteria: ACMG Guidelines, 2015. Collection method: clinical testing. Allele origin: germline. Affected: no.